The following is an entry in ClinVar:

NM_016426.7(GTSE1):c.656C>T (p.Ala219Val)

Gene: GTSE1 (G2 and S-phase expressed 1; plus strand). Cytogenetic location: 22q13.31.
Variant type: single nucleotide variant.
Coding change: c.656C>T on transcript NM_016426.7 (MANE Select); coding-DNA position 656, C replaced by T.
Protein change: p.Ala219Val; replaces alanine 219 with valine.
Molecular consequence: missense variant.
Genome position (GRCh38, 1-based): chr22:46,308,837, C>T. VCF-style: chr22-46308837-C-T. GRCh37 (hg19) VCF-style: chr22-46704734-C-T.
Other names: short protein forms A219V.
Identifiers: ClinVar variation 786698 (VCV000786698.5), dbSNP rs34404175, ClinGen allele CA10291356.
Genomic context (GRCh38, chr22:46,308,837, plus strand): 5'-TCACCCGGGCGCCGGGGCCTCCGCACTCTGCTCATGCTTTGCCCAGGGAATCATGCACTG[C>T]TCATGCTGCAAGTCAGGCAGCGACTCAGAGGAAGCCCGGGACCAAATTGCTGCTGCCTCG-3'
Protein context (NP_057510.5, residues 209-229): AHALPRESCT[Ala219Val]HAASQAATQR

ClinVar aggregate classification (germline): Benign. Review status: criteria provided, multiple submitters, no conflicts (2 of 4 stars). 3 submissions from 3 submitters: Benign (3). Last evaluated 2020-10-29.

Allele frequency attached by ClinVar (database versions not stated): TOPMed 0.02792; 1000 Genomes Project 0.02835; gnomAD exomes 0.00266 and 0.00632; ExAC 0.00808; gnomAD 0.02460 and 0.02650; ESP Exome Variant Server 0.02929; 1000 Genomes Project 30x 0.03014.
gnomAD v4.1: 7,839 of 1,613,304 alleles (0.49%); highest among the groups gnomAD compares: African/African-American, 8.6%; 330 homozygotes.

Submissions (3):

GeneDx
Classification: Benign. Last evaluated: 2020-10-29. Review status: criteria provided, single submitter. Criteria: GeneDx Variant Classification Process June 2021. Collection method: clinical testing. Allele origin: germline. Affected: yes.
Comment: This variant is associated with the following publications: (PMID: 30924900)

Labcorp Genetics (formerly Invitae), Labcorp
Classification: Benign. Last evaluated: 2018-07-23. Review status: criteria provided, single submitter. Criteria: Invitae Variant Classification Sherloc (09022015). Collection method: clinical testing. Allele origin: germline.

Breakthrough Genomics
Classification: Benign. Review status: criteria provided, single submitter. Criteria: ACMG Guidelines, 2015. Collection method: not provided. Allele origin: germline. Inheritance: Unknown mechanism. Affected: yes.